The following is an entry in ClinVar:

ClinVar aggregate classification (germline): Uncertain significance (1 of 4 stars; one submission).

Conditions:
Hereditary cancer-predisposing syndrome. Also called: Hereditary Cancer Syndrome; Hereditary neoplastic syndrome; Neoplastic Syndromes, Hereditary; Tumor predisposition. Identifiers: Orphanet 140162, MedGen C0027672, MeSH D009386, MONDO:0015356.

Submission:

Ambry Genetics
Classification: Uncertain significance for Hereditary cancer-predisposing syndrome. Last evaluated: 2025-03-28. Review status: criteria provided, single submitter. Criteria: Ambry Variant Classification Scheme 2023. Collection method: clinical testing. Allele origin: germline.
Comment: The p.I646L variant (also known as c.1936A>T), located in coding exon 14 of the APC gene, results from an A to T substitution at nucleotide position 1936. The isoleucine at codon 646 is replaced by leucine, an amino acid with highly similar properties. This amino acid position is conserved. In addition, in silico predictors for this gene do not accurately predict pathogenicity. Based on the available evidence, the clinical significance of this variant remains unclear.

NM_000038.6(APC):c.1936A>T (p.Ile646Leu)

Gene: APC (APC regulator of Wnt signaling pathway; plus strand). Cytogenetic location: 5q22.2.
Variant type: single nucleotide variant.
Coding change: c.1936A>T on transcript NM_000038.6 (MANE Select); coding-DNA position 1936, A replaced by T.
Protein change: p.Ile646Leu; replaces isoleucine 646 with leucine.
Molecular consequence: missense variant. On other transcripts: non-coding transcript variant (2).
Genome position (GRCh38, 1-based): chr5:112,835,143, A>T. VCF-style: chr5-112835143-A-T. GRCh37 (hg19) VCF-style: chr5-112170840-A-T.
Other names: c.1936A>T, p.Ile646Leu (NM_001127510.3, NM_001354895.2, NM_001407450.1); c.1882A>T, p.Ile628Leu (NM_001127511.3); c.1990A>T, p.Ile664Leu (NM_001354896.2, NM_001407447.1, NM_001407448.1 and 1 more transcripts); c.1966A>T, p.Ile656Leu (NM_001354897.2); c.1861A>T, p.Ile621Leu (NM_001354898.2); c.1852A>T, p.Ile618Leu (NM_001354899.2); c.1813A>T, p.Ile605Leu (NM_001354900.2); c.1759A>T, p.Ile587Leu (NM_001354901.2, NM_001407453.1); and 11 more; short protein forms I363L, I486L, I520L, I618L, I664L, I674L, I517L, I545L.
Identifiers: ClinVar variation 3928341 (VCV003928341.1).
Genomic context (GRCh38, chr5:112,835,143, plus strand): 5'-ACAAACACTTTAGCCATTATTGAAAGTGGAGGTGGGATATTACGGAATGTGTCCAGCTTG[A>T]TAGCTACAAATGAGGACCACAGGTATATATAGAGTTTTATATTACTTTTAAAGTACAGAA-3'
Protein context (NP_000029.2, residues 636-656): GGILRNVSSL[Ile646Leu]ATNEDHRQIL